The following is an entry in ClinVar:

ClinVar aggregate classification (germline): Uncertain significance (1 of 4 stars; one submission).

Conditions:
Acyl-CoA oxidase deficiency. Also called: Pseudoneonatal adrenoleukodystrophy; Peroxisomal acyl-CoA oxidase deficiency; STRAIGHT-CHAIN ACYL-CoA OXIDASE DEFICIENCY. Identifiers: Orphanet 2971, MedGen C1849678, MONDO:0009919, OMIM 264470. Disease mechanism: loss of function.

Allele frequency attached by ClinVar (database versions not stated): gnomAD exomes below 0.00001 and 0.00001; TOPMed below 0.00001; ExAC 0.00001; gnomAD 0.00001; 1000 Genomes Project 30x 0.00047.
gnomAD v4.1: 2 of 1,614,132 alleles (0.00012%); highest among the groups gnomAD compares: Admixed American, 0.0033%; no homozygotes.

Submission:

Labcorp Genetics (formerly Invitae), Labcorp
Classification: Uncertain significance for Acyl-CoA oxidase deficiency. Last evaluated: 2024-11-04. Review status: criteria provided, single submitter. Criteria: Invitae Variant Classification Sherloc (09022015). Collection method: clinical testing. Allele origin: germline.
Comment: This sequence change replaces valine, which is neutral and non-polar, with phenylalanine, which is neutral and non-polar, at codon 536 of the ACOX1 protein (p.Val536Phe). This variant is present in population databases (rs140448449, gnomAD 0.006%). This variant has not been reported in the literature in individuals affected with ACOX1-related conditions. ClinVar contains an entry for this variant (Variation ID: 1518107). Invitae Evidence Modeling of protein sequence and biophysical properties (such as structural, functional, and spatial information, amino acid conservation, physicochemical variation, residue mobility, and thermodynamic stability) indicates that this missense variant is not expected to disrupt ACOX1 protein function with a negative predictive value of 80%. In summary, the available evidence is currently insufficient to determine the role of this variant in disease. Therefore, it has been classified as a Variant of Uncertain Significance.

NM_004035.7(ACOX1):c.1606G>T (p.Val536Phe)

Gene: ACOX1 (acyl-CoA oxidase 1; minus strand). Cytogenetic location: 17q25.1.
Variant type: single nucleotide variant.
Coding change: c.1606G>T on transcript NM_004035.7 (MANE Select); coding-DNA position 1606, G replaced by T.
Protein change: p.Val536Phe; replaces valine 536 with phenylalanine.
Molecular consequence: missense variant.
Genome position (GRCh38, 1-based): chr17:75,949,339, C>A on the plus strand (G>T on the coding strand, the complement: ACOX1 is on the minus strand). VCF-style: chr17-75949339-C-A. GRCh37 (hg19) VCF-style: chr17-73945420-C-A.
Other names: c.1492G>T, p.Val498Phe (NM_001185039.2); c.1606G>T, p.Val536Phe (NM_007292.6); short protein forms V498F, V536F.
Identifiers: ClinVar variation 1518107 (VCV001518107.6), dbSNP rs140448449, ClinGen allele CA8776700.